The following is an entry in ClinVar:

NM_003579.4(RAD54L):c.1295A>C (p.Lys432Thr)

Gene: RAD54L (RAD54 like; plus strand). Cytogenetic location: 1p34.1.
Variant type: single nucleotide variant.
Coding change: c.1295A>C on transcript NM_003579.4 (MANE Select); coding-DNA position 1295, A replaced by C.
Protein change: p.Lys432Thr; replaces lysine 432 with threonine.
Molecular consequence: missense variant.
Genome position (GRCh38, 1-based): chr1:46,272,722, A>C. VCF-style: chr1-46272722-A-C. GRCh37 (hg19) VCF-style: chr1-46738394-A-C.
Other names: c.1295A>C, p.Lys432Thr (NM_001142548.2); c.755A>C, p.Lys252Thr (NM_001370766.1); short protein forms K252T, K432T.
Identifiers: ClinVar variation 2625162 (VCV002625162.2), dbSNP rs2525708006, ClinGen allele CA340179376.

ClinVar aggregate classification (germline): Uncertain significance (1 of 4 stars; one submission).

Submission:

Ambry Genetics
Classification: Uncertain significance. Last evaluated: 2023-08-25. Review status: criteria provided, single submitter. Criteria: Ambry Variant Classification Scheme 2023. Collection method: clinical testing. Allele origin: germline.
Comment: The p.K432T variant (also known as c.1295A>C), located in coding exon 12 of the RAD54L gene, results from an A to C substitution at nucleotide position 1295. The lysine at codon 432 is replaced by threonine, an amino acid with similar properties. This amino acid position is conserved. In addition, the in silico prediction for this alteration is inconclusive. Since supporting evidence is limited at this time, the clinical significance of this alteration remains unclear.